The following is an entry in ClinVar:

NM_005633.4(SOS1):c.272A>T (p.Gln91Leu)

Gene: SOS1 (SOS Ras/Rac guanine nucleotide exchange factor 1; minus strand). Cytogenetic location: 2p22.1.
Variant type: single nucleotide variant.
Coding change: c.272A>T on transcript NM_005633.4 (MANE Select); coding-DNA position 272, A replaced by T.
Protein change: p.Gln91Leu; replaces glutamine 91 with leucine.
Molecular consequence: missense variant.
Genome position (GRCh38, 1-based): chr2:39,058,746, T>A on the plus strand (A>T on the coding strand, the complement: SOS1 is on the minus strand). VCF-style: chr2-39058746-T-A. GRCh37 (hg19) VCF-style: chr2-39285887-T-A.
Other names: c.251A>T, p.Gln84Leu (NM_001382394.1); c.272A>T, p.Gln91Leu (NM_001382395.1); short protein forms Q84L, Q91L.
Identifiers: ClinVar variation 4843842 (VCV004843842.1).
Genomic context (GRCh38, chr2:39,058,746, plus strand): 5'-TGAATTTTTTCTACTGGGAGAGATAAAGGGTTTCTTCGCTTCCTCTTTTCAATAGCTGAT[T>A]GGGCATCAGCTATTGCCCATTTATCAATTGGATGAGGGAAACTTTTTTGAACACGTTCCT-3'
Protein context (NP_005624.2, residues 81-101): PIDKWAIADA[Gln91Leu]SAIEKRKRRN

ClinVar aggregate classification (germline): Uncertain significance (1 of 4 stars; one submission).

Conditions:
Cardiovascular phenotype. Identifiers: MedGen CN230736.

Submission:

Ambry Genetics
Classification: Uncertain significance for Cardiovascular phenotype. Last evaluated: 2025-12-26. Review status: criteria provided, single submitter. Criteria: Ambry Variant Classification Scheme 2023. Collection method: clinical testing. Allele origin: germline.
Comment: The p.Q91L variant (also known as c.272A>T), located in coding exon 3 of the SOS1 gene, results from an A to T substitution at nucleotide position 272. The glutamine at codon 91 is replaced by leucine, an amino acid with dissimilar properties. This amino acid position is conserved. In addition, the in silico prediction for this alteration is inconclusive. Based on the available evidence, the clinical significance of this variant remains unclear.